The following is an entry in ClinVar:

NM_001048174.2(MUTYH):c.231C>A (p.Asp77Glu)

Gene: MUTYH (mutY DNA glycosylase; minus strand). Cytogenetic location: 1p34.1.
Variant type: single nucleotide variant.
Coding change: c.231C>A on transcript NM_001048174.2 (MANE Select); coding-DNA position 231, C replaced by A.
Protein change: p.Asp77Glu; replaces aspartic acid 77 with glutamic acid.
Molecular consequence: missense variant. On other transcripts: 5 prime UTR variant (6), non-coding transcript variant (7).
Genome position (GRCh38, 1-based): chr1:45,333,446, G>T on the plus strand (C>A on the coding strand, the complement: MUTYH is on the minus strand). VCF-style: chr1-45333446-G-T. GRCh37 (hg19) VCF-style: chr1-45799118-G-T.
Other names: c.273C>A, p.Asp91Glu (NM_001407073.1, NM_001407083.1, NM_001407085.1); c.147C>A, p.Asp49Glu (NM_001407075.1); c.264C>A, p.Asp88Glu (NM_001407077.1, NM_001293191.2); c.234C>A, p.Asp78Glu (NM_001407078.1, NM_001407079.1, NM_001407086.1 and 2 more transcripts); c.-46C>A (NM_001407091.1, NM_001293192.2, NM_001293196.2); c.306C>A, p.Asp102Glu (NM_012222.3, NM_001407069.1); c.231C>A, p.Asp77Glu (NM_001407080.1, NM_001407081.1, NM_001407088.1 and 6 more transcripts); c.-41C>A (NM_001407082.1, NM_001350650.2, NM_001350651.2); and 3 more; short protein forms D102E, D77E, D91E, D92E, D105E, D49E, D78E, D84E.
Identifiers: ClinVar variation 2987941 (VCV002987941.4), dbSNP rs1645352360, ClinGen allele CA340136397.

ClinVar aggregate classification (germline): Uncertain significance. Review status: criteria provided, multiple submitters, no conflicts (2 of 4 stars). 2 submissions from 2 submitters: Uncertain significance (2). Last evaluated 2025-08-27.

Conditions:
Hereditary cancer-predisposing syndrome. Also called: Neoplastic Syndromes, Hereditary; Hereditary Cancer Syndrome; Hereditary neoplastic syndrome; Tumor predisposition. Identifiers: Orphanet 140162, MedGen C0027672, MeSH D009386, MONDO:0015356.
Familial adenomatous polyposis 2. Also called: MYH-associated polyposis; FAP type 2; MUTYH-associated polyposis; MUTYH-related attenuated familial adenomatous polyposis; COLORECTAL ADENOMATOUS POLYPOSIS, AUTOSOMAL RECESSIVE; ADENOMAS, MULTIPLE COLORECTAL, AUTOSOMAL RECESSIVE. Identifiers: Orphanet 220460, Orphanet 247798, MedGen C3272841, MONDO:0012041, OMIM 608456.

Submissions (2):

Ambry Genetics
Classification: Uncertain significance for Hereditary cancer-predisposing syndrome. Last evaluated: 2025-08-27. Review status: criteria provided, single submitter. Criteria: Ambry Variant Classification Scheme 2023. Collection method: clinical testing. Allele origin: germline.
Comment: The p.D105E variant (also known as c.315C>A), located in coding exon 3 of the MUTYH gene, results from a C to A substitution at nucleotide position 315. The aspartic acid at codon 105 is replaced by glutamic acid, an amino acid with highly similar properties. This amino acid position is conserved. In addition, this alteration is predicted to be deleterious by in silico analysis. Based on the available evidence, the clinical significance of this variant remains unclear.

Labcorp Genetics (formerly Invitae), Labcorp
Classification: Uncertain significance for Familial adenomatous polyposis 2. Last evaluated: 2022-12-07. Review status: criteria provided, single submitter. Criteria: Invitae Variant Classification Sherloc (09022015). Collection method: clinical testing. Allele origin: germline.
Comment: This variant has not been reported in the literature in individuals affected with MUTYH-related conditions. In summary, the available evidence is currently insufficient to determine the role of this variant in disease. Therefore, it has been classified as a Variant of Uncertain Significance. Algorithms developed to predict the effect of missense changes on protein structure and function are either unavailable or do not agree on the potential impact of this missense change (SIFT: "Deleterious"; PolyPhen-2: "Benign"; Align-GVGD: "Class C35"). This variant is not present in population databases (gnomAD no frequency). This sequence change replaces aspartic acid, which is acidic and polar, with glutamic acid, which is acidic and polar, at codon 105 of the MUTYH protein (p.Asp105Glu).